The following is an entry in ClinVar:

NM_000135.4(FANCA):c.52C>A (p.Arg18Ser)

Genes: FANCA (FA complementation group A; minus strand), LOC112486223 (Sharpr-MPRA regulatory region 3988; plus strand). Cytogenetic location: 16q24.3.
Variant type: single nucleotide variant.
Coding change: c.52C>A on transcript NM_000135.4 (MANE Select); coding-DNA position 52, C replaced by A.
Protein change: p.Arg18Ser; replaces arginine 18 with serine.
Molecular consequence: missense variant.
Genome position (GRCh38, 1-based): chr16:89,816,564, G>T on the plus strand (C>A on the coding strand, the complement: FANCA is on the minus strand). VCF-style: chr16-89816564-G-T. GRCh37 (hg19) VCF-style: chr16-89882972-G-T.
Other names: c.52C>A, p.Arg18Ser (NM_001018112.3, NM_001286167.3, NM_001351830.2); short protein forms R18S.
Identifiers: ClinVar variation 5036377 (VCV005036377.1).

ClinVar aggregate classification (germline): Uncertain significance (1 of 4 stars; one submission).

Conditions:
Inborn genetic diseases. Identifiers: MedGen C0950123, MeSH D030342.

gnomAD v4.1: 2 of 1,512,642 alleles (0.00013%); highest among the groups gnomAD compares: Non-Finnish European, 0.00018%; no homozygotes.

Submission:

Ambry Genetics
Classification: Uncertain significance for Inborn genetic diseases. Last evaluated: 2026-07-28. Review status: criteria provided, single submitter. Criteria: Ambry Variant Classification Scheme 2023. Collection method: clinical testing. Allele origin: germline.
Comment: The p.R18S variant (also known as c.52C>A), located in coding exon 1 of the FANCA gene, results from a C to A substitution at nucleotide position 52. The arginine at codon 18 is replaced by serine, an amino acid with dissimilar properties. This amino acid position is conserved. In addition, this alteration is predicted to be tolerated by in silico analysis. Based on the available evidence, the clinical significance of this variant remains unclear.